The following is an entry in ClinVar:

NM_020921.4(NIN):c.622G>T (p.Val208Phe)

Gene: NIN (ninein; minus strand). Cytogenetic location: 14q22.1.
Variant type: single nucleotide variant.
Coding change: c.622G>T on transcript NM_020921.4 (MANE Select); coding-DNA position 622, G replaced by T.
Protein change: p.Val208Phe; replaces valine 208 with phenylalanine.
Molecular consequence: missense variant.
Genome position (GRCh38, 1-based): chr14:50,776,993, C>A on the plus strand (G>T on the coding strand, the complement: NIN is on the minus strand). VCF-style: chr14-50776993-C-A. GRCh37 (hg19) VCF-style: chr14-51243711-C-A.
Other names: c.622G>T, p.Val208Phe (NM_016350.5, NM_182944.3, NM_182946.2); short protein forms V208F.
Identifiers: ClinVar variation 2991378 (VCV002991378.3), dbSNP rs139267391, ClinGen allele CA7182400.

ClinVar aggregate classification (germline): Uncertain significance (1 of 4 stars; one submission).

Allele frequency attached by ClinVar (database versions not stated): gnomAD 0.00001; ExAC 0.00002; TOPMed 0.00002; ESP Exome Variant Server 0.00008.
gnomAD v4.1: 16 of 1,613,992 alleles (0.00099%); highest among the groups gnomAD compares: Non-Finnish European, 0.0013%; no homozygotes.

Submission:

Labcorp Genetics (formerly Invitae), Labcorp
Classification: Uncertain significance. Last evaluated: 2023-08-11. Review status: criteria provided, single submitter. Criteria: Invitae Variant Classification Sherloc (09022015). Collection method: clinical testing. Allele origin: germline.
Comment: An algorithm developed to predict the effect of missense changes on protein structure and function (PolyPhen-2) suggests that this variant is likely to be disruptive. In summary, the available evidence is currently insufficient to determine the role of this variant in disease. Therefore, it has been classified as a Variant of Uncertain Significance. This sequence change replaces valine, which is neutral and non-polar, with phenylalanine, which is neutral and non-polar, at codon 208 of the NIN protein (p.Val208Phe). This variant is present in population databases (rs139267391, gnomAD 0.002%). This variant has not been reported in the literature in individuals affected with NIN-related conditions.